The following is an entry in ClinVar:

ClinVar aggregate classification (germline): Conflicting classifications of pathogenicity. Review status: criteria provided, conflicting classifications (1 of 4 stars). 3 submissions from 3 submitters: Uncertain significance (1); Likely benign (2). Last evaluated 2026-02-03.

Conditions:
Tuberous sclerosis syndrome (TSC). Also called: Tuberous Sclerosis Complex; Tuberous sclerosis. Identifiers: Orphanet 805, MedGen C0041341, MONDO:0001734.
Hereditary cancer-predisposing syndrome. Also called: Neoplastic Syndromes, Hereditary; Tumor predisposition; Hereditary neoplastic syndrome; Hereditary Cancer Syndrome. Identifiers: Orphanet 140162, MedGen C0027672, MeSH D009386, MONDO:0015356.
Tuberous sclerosis 2 (TSC2). Identifiers: Orphanet 805, MedGen C1860707, MONDO:0013199, OMIM 613254.

Allele frequency attached by ClinVar (database versions not stated): TOPMed below 0.00001; gnomAD 0.00001.
gnomAD v4.1: 1 of 1,613,798 alleles (0.000062%); highest among the groups gnomAD compares: East Asian, 0.0022%; no homozygotes.

Submissions (3):

Ambry Genetics
Classification: Uncertain significance for Hereditary cancer-predisposing syndrome. Last evaluated: 2026-02-03. Review status: criteria provided, single submitter. Criteria: Ambry Variant Classification Scheme 2023. Collection method: clinical testing. Allele origin: germline.
Comment: The c.2098-4G>T intronic variant results from a G to T substitution 4 nucleotides upstream from coding exon 19 in the TSC2 gene. This nucleotide position is not well conserved in available vertebrate species. In silico splice site analysis for this alteration is inconclusive. Based on the available evidence, the clinical significance of this variant remains unclear.

Labcorp Genetics (formerly Invitae), Labcorp
Classification: Likely benign for Tuberous sclerosis 2. Last evaluated: 2025-05-05. Review status: criteria provided, single submitter. Criteria: Invitae Variant Classification Sherloc (09022015). Collection method: clinical testing. Allele origin: germline.

All of Us Research Program, National Institutes of Health
Classification: Likely benign for Tuberous sclerosis syndrome. Last evaluated: 2023-11-20. Review status: criteria provided, single submitter. Criteria: ACMG Guidelines, 2015. Collection method: clinical testing. Allele origin: germline. Inheritance: Autosomal dominant inheritance. Observed: 1 variant allele, 1 heterozygote.
Comment: This study involves interpretation of variants in research participants for the purpose of population health screening. Participant phenotype was not available at the time of variant classification. Additional details can be found in publication PMID: 35346344, PMCID: PMC8962531

NM_000548.5(TSC2):c.2098-4G>T

Gene: TSC2 (TSC complex subunit 2; plus strand). Cytogenetic location: 16p13.3.
Variant type: single nucleotide variant.
Coding change: c.2098-4G>T on transcript NM_000548.5 (MANE Select); 4 bases into the intron before coding-DNA position 2098, G replaced by T.
Molecular consequence: intron variant.
Genome position (GRCh38, 1-based): chr16:2,072,237, G>T. VCF-style: chr16-2072237-G-T. GRCh37 (hg19) VCF-style: chr16-2122238-G-T.
Other names: c.2098-4G>T (NM_001114382.3, NM_021055.3, NM_001370405.1 and 3 more transcripts); c.1987-4G>T (NM_001318827.2); c.1498-4G>T (NM_001318831.2); c.1951-4G>T (NM_001318829.2); c.2131-4G>T (NM_001318832.2).
Identifiers: ClinVar variation 467923 (VCV000467923.12), dbSNP rs1306044216, ClinGen allele CA658658372.